The following is an entry in ClinVar:

NM_000030.3(AGXT):c.193C>T (p.Gln65Ter)

Gene: AGXT (alanine--glyoxylate aminotransferase; plus strand). Cytogenetic location: 2q37.3.
Variant type: single nucleotide variant.
Coding change: c.193C>T on transcript NM_000030.3 (MANE Select); coding-DNA position 193, C replaced by T.
Protein change: p.Gln65Ter; replaces glutamine 65 with a stop codon.
Molecular consequence: nonsense.
Genome position (GRCh38, 1-based): chr2:240,869,197, C>T. VCF-style: chr2-240869197-C-T. GRCh37 (hg19) VCF-style: chr2-241808614-C-T.
Other names: short protein forms Q65*.
Identifiers: ClinVar variation 4526804 (VCV004526804.1).

ClinVar aggregate classification (germline): Pathogenic (1 of 4 stars; one submission).

Conditions:
Primary hyperoxaluria, type I (HP1). Also called: GLYCOLIC ACIDURIA; HEPATIC AGT DEFICIENCY; OXALOSIS I; Primary hyperoxaluria type 1. Identifiers: Orphanet 416, Orphanet 93598, MedGen C0268164, MONDO:0009823, OMIM 259900. Disease mechanism: loss of function.

gnomAD v4.1: 1 of 1,518,158 alleles (0.000066%); highest among the groups gnomAD compares: South Asian, 0.0011%; no homozygotes.

Submission:

Rare Kidney Stone Consortium and the Mayo Clinic Hyperoxaluria Center, Mayo Clinic
Classification: Pathogenic for Primary hyperoxaluria, type I. Last evaluated: 2025-10-03. Review status: criteria provided, single submitter. Criteria: ACMG Guidelines, 2015. Collection method: research. Allele origin: germline. Affected: yes. Observed: 1 variant allele.
Comment: ACMG:PVS1, PM2, PP1-M, PP4

Literature cited by the submitters: PubMed 40794449.